The following is an entry in ClinVar:

NM_139027.6(ADAMTS13):c.2130C>G (p.Cys710Trp)

Gene: ADAMTS13 (ADAM metallopeptidase with thrombospondin type 1 motif 13; plus strand). Cytogenetic location: 9q34.2.
Variant type: single nucleotide variant.
Coding change: c.2130C>G on transcript NM_139027.6 (MANE Select); coding-DNA position 2130, C replaced by G.
Protein change: p.Cys710Trp; replaces cysteine 710 with tryptophan.
Molecular consequence: missense variant.
Genome position (GRCh38, 1-based): chr9:133,442,639, C>G. VCF-style: chr9-133442639-C-G. GRCh37 (hg19) VCF-style: chr9-136307760-C-G.
Other names: c.2130C>G, p.Cys710Trp (NM_139025.5); c.2037C>G, p.Cys679Trp (NM_139026.6); short protein forms C679W, C710W.
Identifiers: ClinVar variation 1220526 (VCV001220526.2), dbSNP rs1841759683, ClinGen allele CA375397241.
Genomic context (GRCh38, chr9:133,442,639, plus strand): 5'-AGGGAGGCGGCCTAGCCCTCCCTCTTCCCTCCCAGGGCTGCGCTGGGTAAACTACAGCTG[C>G]CTGGACCAGGCCAGGAAGGAGTTGGTGGAGACTGTCCAGTGCCAAGGGAGCCAGCAGCCA-3'
Protein context (NP_620596.2, residues 700-720): GAGLRWVNYS[Cys710Trp]LDQARKELVE

ClinVar aggregate classification (germline): Likely pathogenic (0 of 4 stars; one submission).

Conditions:
Upshaw-Schulman syndrome (TTP). Also called: Congenital thrombotic thrombocytopenic purpura; THROMBOTIC THROMBOCYTOPENIC PURPURA, HEREDITARY. Identifiers: Orphanet 93583, MedGen C1268935, MONDO:0010122, OMIM 274150.

Submission:

Department of Pediatrics, Third Xiangya Hospital of Central South University
Classification: Likely pathogenic for Upshaw-Schulman syndrome. Last evaluated: 2021-08-14. Review status: no assertion criteria provided. Collection method: research. Allele origin: maternal. Inheritance: Autosomal recessive inheritance. Affected: yes. Observed: 1 compound heterozygote.
Comment: The c.2130C>G(p. Cys710Trp) variant in ADAMTS 13 has never been reported before. Additionally, in silico algorithm shows that the pathogenicity of p. Cys710Trp mutation is predicted to be "Deleterious".